The following is an entry in ClinVar:

ClinVar aggregate classification (germline): Uncertain significance (1 of 4 stars; one submission).

Submission:

Labcorp Genetics (formerly Invitae), Labcorp
Classification: Uncertain significance. Last evaluated: 2022-03-14. Review status: criteria provided, single submitter. Criteria: Invitae Variant Classification Sherloc (09022015). Collection method: clinical testing. Allele origin: germline.
Comment: This sequence change replaces serine, which is neutral and polar, with asparagine, which is neutral and polar, at codon 196 of the CDH2 protein (p.Ser196Asn). This variant is not present in population databases (gnomAD no frequency). In summary, the available evidence is currently insufficient to determine the role of this variant in disease. Therefore, it has been classified as a Variant of Uncertain Significance. Algorithms developed to predict the effect of missense changes on protein structure and function are either unavailable or do not agree on the potential impact of this missense change (SIFT: "Deleterious"; PolyPhen-2: "Probably Damaging"; Align-GVGD: "Class C0"). This variant has not been reported in the literature in individuals affected with CDH2-related conditions.

NM_001792.5(CDH2):c.587G>A (p.Ser196Asn)

Gene: CDH2 (cadherin 2; minus strand). Cytogenetic location: 18q12.1.
Variant type: single nucleotide variant.
Coding change: c.587G>A on transcript NM_001792.5 (MANE Select); coding-DNA position 587, G replaced by A.
Protein change: p.Ser196Asn; replaces serine 196 with asparagine.
Molecular consequence: missense variant.
Genome position (GRCh38, 1-based): chr18:28,009,832, C>T on the plus strand (G>A on the coding strand, the complement: CDH2 is on the minus strand). VCF-style: chr18-28009832-C-T. GRCh37 (hg19) VCF-style: chr18-25589796-C-T.
Other names: c.494G>A, p.Ser165Asn (NM_001308176.2); short protein forms S165N, S196N.
Identifiers: ClinVar variation 1968024 (VCV001968024.5), dbSNP rs1041970, ClinGen allele CA402243628.
Genomic context (GRCh38, chr18:28,009,832, plus strand): 5'-GAGATGGGGTTGATAATGAAGATACCAGTTGGAGGCTGGTCAGCTCCTGGCCCAGTTACA[C>T]TGTACCGCAGTGAAAGGTTTTTATCTCTATCAGACCTGATCTGAGGATCAAGAAAACAAT-3'
Protein context (NP_001783.2, residues 186-206): DRDKNLSLRY[Ser196Asn]VTGPGADQPP